The following is an entry in ClinVar:

ClinVar aggregate classification (germline): Likely benign (1 of 4 stars; one submission).

gnomAD v4.1: 422 of 1,614,152 alleles (0.026%); highest among the groups gnomAD compares: African/African-American, 0.48%; 2 homozygotes.

Submission:

CeGaT Center for Human Genetics Tuebingen
Classification: Likely benign. Last evaluated: 2026-04-01. Review status: criteria provided, single submitter. Criteria: CeGaT Center For Human Genetics Tuebingen Variant Classification Criteria Version 2. Collection method: clinical testing. Allele origin: germline. Affected: yes. Observed: 1 variant allele.
Comment: DPYSL5: BP4, BP7

NM_020134.4(DPYSL5):c.333C>T (p.Asp111=)

Gene: DPYSL5 (dihydropyrimidinase like 5; plus strand). Cytogenetic location: 2p23.3.
Variant type: single nucleotide variant.
Coding change: c.333C>T on transcript NM_020134.4 (MANE Select); coding-DNA position 333, C replaced by T.
Protein change: p.Asp111=; no amino-acid change (aspartic acid 111 retained).
Molecular consequence: synonymous variant.
Genome position (GRCh38, 1-based): chr2:26,924,958, C>T. VCF-style: chr2-26924958-C-T. GRCh37 (hg19) VCF-style: chr2-27147826-C-T.
Other names: c.333C>T, p.Asp111= (NM_001253723.2, NM_001253724.2).
Identifiers: ClinVar variation 4872144 (VCV004872144.2).